The following is an entry in ClinVar:

NM_000124.4(ERCC6):c.2009G>A (p.Arg670Gln)

Gene: ERCC6 (ERCC excision repair 6, chromatin remodeling factor; minus strand). Cytogenetic location: 10q11.23.
Variant type: single nucleotide variant.
Coding change: c.2009G>A on transcript NM_000124.4 (MANE Select); coding-DNA position 2009, G replaced by A.
Protein change: p.Arg670Gln; replaces arginine 670 with glutamine.
Molecular consequence: missense variant.
Genome position (GRCh38, 1-based): chr10:49,482,847, C>T on the plus strand (G>A on the coding strand, the complement: ERCC6 is on the minus strand). VCF-style: chr10-49482847-C-T. GRCh37 (hg19) VCF-style: chr10-50690893-C-T.
Other names: c.2009G>A, p.Arg670Gln (NM_001346440.2); short protein forms R670Q.
Identifiers: ClinVar variation 1978975 (VCV001978975.5), dbSNP rs1033353171, ClinGen allele CA376724465.

ClinVar aggregate classification (germline): Likely pathogenic. Review status: criteria provided, multiple submitters, no conflicts (2 of 4 stars). 2 submissions from 2 submitters: Likely pathogenic (2). Last evaluated 2023-06-30.

Conditions:
Cockayne syndrome type 2 (CSB). Also called: COCKAYNE SYNDROME B; Cockayne Syndrome, Type II. Identifiers: Orphanet 191, Orphanet 90322, MedGen C0751038, MONDO:0019570, OMIM 133540.

Allele frequency attached by ClinVar (database versions not stated): gnomAD exomes below 0.00001; TOPMed below 0.00001.
gnomAD v4.1: 3 of 1,613,926 alleles (0.00019%); highest among the groups gnomAD compares: Admixed American, 0.0017%; no homozygotes.

Submissions (2):

Labcorp Genetics (formerly Invitae), Labcorp
Classification: Likely pathogenic. Last evaluated: 2023-06-30. Review status: criteria provided, single submitter. Criteria: Invitae Variant Classification Sherloc (09022015). Collection method: clinical testing. Allele origin: germline.
Comment: In summary, the currently available evidence indicates that the variant is pathogenic, but additional data are needed to prove that conclusively. Therefore, this variant has been classified as Likely Pathogenic. This sequence change replaces arginine, which is basic and polar, with glutamine, which is neutral and polar, at codon 670 of the ERCC6 protein (p.Arg670Gln). This variant is present in population databases (no rsID available, gnomAD 0.003%). This variant has not been reported in the literature in individuals affected with ERCC6-related conditions. ClinVar contains an entry for this variant (Variation ID: 1978975). Advanced modeling of protein sequence and biophysical properties (such as structural, functional, and spatial information, amino acid conservation, physicochemical variation, residue mobility, and thermodynamic stability) has been performed at Invitae for this missense variant, however the output from this modeling did not meet the statistical confidence thresholds required to predict the impact of this variant on ERCC6 protein function. This variant disrupts the p.Arg670 amino acid residue in ERCC6. Other variant(s) that disrupt this residue have been determined to be pathogenic (PMID: 9443879, 25251875, 30200888). This suggests that this residue is clinically significant, and that variants that disrupt this residue are likely to be disease-causing.

Kariminejad - Najmabadi Pathology & Genetics Center
Classification: Likely pathogenic for Cockayne syndrome type 2. Review status: criteria provided, single submitter. Criteria: ACMG Guidelines, 2015. Collection method: clinical testing. Allele origin: germline. Affected: no.

Literature cited by the submitters: PubMed 9443879 (cited by Labcorp Genetics (formerly Invitae), Labcorp); PubMed 25251875 (cited by Labcorp Genetics (formerly Invitae), Labcorp); PubMed 30200888 (cited by Labcorp Genetics (formerly Invitae), Labcorp).